The following is an entry in ClinVar:

NM_000062.3(SERPING1):c.554C>A (p.Ala185Asp)

Gene: SERPING1 (serpin family G member 1; plus strand). Cytogenetic location: 11q12.1.
Variant type: single nucleotide variant.
Coding change: c.554C>A on transcript NM_000062.3 (MANE Select); coding-DNA position 554, C replaced by A.
Protein change: p.Ala185Asp; replaces alanine 185 with aspartic acid.
Molecular consequence: missense variant.
Genome position (GRCh38, 1-based): chr11:57,602,038, C>A. VCF-style: chr11-57602038-C-A. GRCh37 (hg19) VCF-style: chr11-57369511-C-A.
Other names: c.554C>A, p.Ala185Asp (NM_001032295.2); short protein forms A185D.
Identifiers: ClinVar variation 3336826 (VCV003336826.3).

ClinVar aggregate classification (germline): Conflicting classifications of pathogenicity. Review status: criteria provided, conflicting classifications (1 of 4 stars). 2 submissions from 2 submitters: Pathogenic (1); Uncertain significance (1). Last evaluated 2024-08-10.

Conditions:
Hereditary angioedema type 1 (HAE1). Identifiers: Orphanet 100050, Orphanet 100051, Orphanet 91378, MedGen C2717906, MONDO:0015053, OMIM 106100.

Submissions (2):

DNA-diagnostics Laboratory, Research Centre For Medical Genetics
Classification: Pathogenic for Hereditary angioedema type 1. Last evaluated: 2024-08-10. Review status: criteria provided, single submitter. Criteria: ACMG Guidelines, 2015. Collection method: research. Allele origin: germline. Inheritance: Autosomal dominant inheritance. Affected: yes. Observed: 2 variant alleles, 2 heterozygotes. Clinical features observed: Angioedema (HP:0100665), C1 esterase inhibitor deficiency.
Comment: The pathogenic or likely pathogenic SERPING1 gene variants are detected in >90% of the HAE1/2 families and in >80% of the total HAE families (e.g., DOI: 10.1016/j.molimm.2008.05.007, 10.1159/2F000138883, 10.1016/j.molimm.2011.07.010). In our study, the heterozygous c.554C>A (p.Ala185Asp) variant in SERPING1 was observed in 1 HAE1 family and segregated with the disease in two siblings. At the same amino acid residue, a different missense change determined to be pathogenic has been seen before (PMID: 25258140, SCV005186248 in ClinVar). Such in silico algorithms as BayesDel, MutPred, REVEL support a deleterious effect of the c.554C>A variant with Moderate evidence of pathogenicity, when choosing at least two identical assessments and using the threshold ranges from ClinGen recommendations (DOI: 10.1016/j.ajhg.2022.10.013). In summary, the c.554C>A variant in SERPING1 meets ACMG/ClinGen SVI guidance criteria to be classified as pathogenic: PP4_Str, PM5, PP3_Mod, PM2_Sup, PP2

Blueprint Genetics
Classification: Uncertain significance. Last evaluated: 2023-10-06. Review status: criteria provided, single submitter. Criteria: ACMG Guidelines, 2015. Collection method: clinical testing. Allele origin: germline.